The following is an entry in ClinVar:

ClinVar aggregate classification (germline): Uncertain significance. Review status: criteria provided, multiple submitters, no conflicts (2 of 4 stars). 2 submissions from 2 submitters: Uncertain significance (2). Last evaluated 2024-04-26.

Allele frequency attached by ClinVar (database versions not stated): ExAC 0.00002; gnomAD 0.00002; TOPMed 0.00002.
gnomAD v4.1: 70 of 1,613,684 alleles (0.0043%); highest among the groups gnomAD compares: Non-Finnish European, 0.0057%; no homozygotes.

Submissions (2):

Women's Health and Genetics/Laboratory Corporation of America, LabCorp
Classification: Uncertain significance. Last evaluated: 2024-04-26. Review status: criteria provided, single submitter. Criteria: LabCorp Variant Classification Summary - May 2015. Collection method: clinical testing. Allele origin: germline.
Comment: Variant summary: HPS4 c.1956-3C>T alters a non-conserved nucleotide located close to a canonical splice site and therefore could affect mRNA splicing, leading to a significantly altered protein sequence. Consensus agreement among computation tools predict no significant impact on normal splicing. However, these predictions have yet to be confirmed by functional studies. The variant allele was found at a frequency of 2.4e-05 in 251488 control chromosomes. The available data on variant occurrences in the general population are insufficient to allow any conclusion about variant significance. To our knowledge, no occurrence of c.1956-3C>T in individuals affected with Hermansky-Pudlak Syndrome and no experimental evidence demonstrating its impact on protein function have been reported. ClinVar contains an entry for this variant (Variation ID: 2420741). Based on the evidence outlined above, the variant was classified as uncertain significance.

Labcorp Genetics (formerly Invitae), Labcorp
Classification: Uncertain significance. Last evaluated: 2022-02-18. Review status: criteria provided, single submitter. Criteria: Invitae Variant Classification Sherloc (09022015). Collection method: clinical testing. Allele origin: germline.
Comment: This sequence change falls in intron 13 of the HPS4 gene. It does not directly change the encoded amino acid sequence of the HPS4 protein. It affects a nucleotide within the consensus splice site. This variant is present in population databases (rs754088753, gnomAD 0.005%). This variant has not been reported in the literature in individuals affected with HPS4-related conditions. Variants that disrupt the consensus splice site are a relatively common cause of aberrant splicing (PMID: 17576681, 9536098). Algorithms developed to predict the effect of sequence changes on RNA splicing suggest that this variant is not likely to affect RNA splicing. In summary, the available evidence is currently insufficient to determine the role of this variant in disease. Therefore, it has been classified as a Variant of Uncertain Significance.

Literature cited by the submitters: PubMed 17576681 (cited by Labcorp Genetics (formerly Invitae), Labcorp); PubMed 9536098 (cited by Labcorp Genetics (formerly Invitae), Labcorp).

NM_022081.6(HPS4):c.1956-3C>T

Gene: HPS4 (HPS4 biogenesis of lysosomal organelles complex 3 subunit 2; minus strand). Cytogenetic location: 22q12.1.
Variant type: single nucleotide variant.
Coding change: c.1956-3C>T on transcript NM_022081.6 (MANE Select); 3 bases into the intron before coding-DNA position 1956, C replaced by T.
Molecular consequence: intron variant.
Genome position (GRCh38, 1-based): chr22:26,453,407, G>A on the plus strand (C>T on the coding strand, the complement: HPS4 is on the minus strand). VCF-style: chr22-26453407-G-A. GRCh37 (hg19) VCF-style: chr22-26849373-G-A.
Other names: c.*478C>T (NM_001410832.1); c.1955+4452C>T (NM_001349905.1, NM_001349904.2); c.1714-3C>T (NM_001349902.1, NM_001349903.2); c.1956-3C>T (NM_001349896.1, NM_001349899.2, NM_001349898.2); c.2010-3C>T (NM_001349901.1, NM_001349900.2); c.1941-3C>T (NM_152841.2).
Identifiers: ClinVar variation 2420741 (VCV002420741.4), dbSNP rs754088753, ClinGen allele CA10163119.
Genomic context (GRCh38, chr22:26,453,407, plus strand): 5'-CTGGAAATATGTCTCCTGGATGGGGTTGCAACAGGCGTACACAGCCGTGGAGGCATTTCT[G>A]TTGGAGGAAGAAAGAAGGCAACGGTCCAATGCTGCTGGTGCTAATCTCAGACCACACAGA-3'